The following is an entry in ClinVar:

NM_001173464.2(KIF21A):c.3960-11C>T

Gene: KIF21A (kinesin family member 21A; minus strand). Cytogenetic location: 12q12.
Variant type: single nucleotide variant.
Coding change: c.3960-11C>T on transcript NM_001173464.2 (MANE Select); 11 bases into the intron before coding-DNA position 3960, C replaced by T.
Molecular consequence: intron variant.
Genome position (GRCh38, 1-based): chr12:39,311,564, G>A on the plus strand (C>T on the coding strand, the complement: KIF21A is on the minus strand). VCF-style: chr12-39311564-G-A. GRCh37 (hg19) VCF-style: chr12-39705366-G-A.
Other names: c.3801-11C>T (NM_001173465.2); c.3849-11C>T (NM_001173463.2); c.3921-11C>T (NM_017641.4); c.3924-11C>T (NM_001378441.1); c.3948-11C>T (NM_001378440.1); c.3963-11C>T (NM_001378439.1).
Identifiers: ClinVar variation 882625 (VCV000882625.5), dbSNP rs201115347, ClinGen allele CA6510309.

ClinVar aggregate classification (germline): Benign/Likely benign. Review status: criteria provided, multiple submitters, no conflicts (2 of 4 stars). 2 submissions from 2 submitters: Benign (1); Likely benign (1). Last evaluated 2024-11-22.

Conditions:
Congenital fibrosis of extraocular muscles type 1. Also called: FEOM1 LOCUS; OPHTHALMOPLEGIA, CONGENITAL; BLEPHAROPTOSIS WITH ABSENT EYE MOVEMENTS; CFEOM3B. Identifiers: MedGen C1851102, MONDO:0021083, OMIM 135700.

Allele frequency attached by ClinVar (database versions not stated): gnomAD 0.00001 and 0.00015; TOPMed 0.00004; gnomAD exomes 0.00025 and 0.00054; ExAC 0.00056; 1000 Genomes Project 0.00100; 1000 Genomes Project 30x 0.00125.
gnomAD v4.1: 399 of 1,612,100 alleles (0.025%); highest among the groups gnomAD compares: South Asian, 0.38%; 5 homozygotes.

Submissions (2):

Blueprint Genetics
Classification: Likely benign. Last evaluated: 2024-11-22. Review status: criteria provided, single submitter. Criteria: ACMG Guidelines, 2015. Collection method: clinical testing. Allele origin: germline.

Illumina Laboratory Services, Illumina
Classification: Benign for Congenital fibrosis of extraocular muscles type 1. Last evaluated: 2018-01-12. Review status: criteria provided, single submitter. Criteria: ICSL Variant Classification Criteria 13 December 2019. Collection method: clinical testing. Allele origin: germline.
Comment: This variant was observed in the ICSL laboratory as part of a predisposition screen in an ostensibly healthy population. It had not been previously curated by ICSL or reported in the Human Gene Mutation Database (HGMD: prior to June 1st, 2018), and was therefore a candidate for classification through an automated scoring system. Utilizing variant allele frequency, disease prevalence and penetrance estimates, and inheritance mode, an automated score was calculated to assess if this variant is too frequent to cause the disease. Based on the score and internal cut-off values, a variant classified as benign is not then subjected to further curation. The score for this variant resulted in a classification of benign for this disease.